The following is an entry in ClinVar:

ClinVar aggregate classification (germline): Uncertain significance (1 of 4 stars; one submission).

Submission:

GeneDx
Classification: Uncertain significance. Last evaluated: 2014-07-30. Review status: criteria provided, single submitter. Criteria: GeneDx Variant Classification (06012015). Collection method: clinical testing. Allele origin: germline. Affected: yes.
Comment: Missense variants in the TTN gene are considered 'unclassified' if they are not previously reported in the literature and do not have >1% frequency in the population to be considered a polymorphism. Research indicates that truncating mutations in the TTN gene are expected to account for approximately 25% of familial and 18% of sporadic idiopathic DCM; however, truncating variants in the TTN gene have been reported in approximately 3% of reported control alleles. There has been little investigation into non-truncating variants. (Herman D et al. Truncations of titin causing dilated cardiomyopathy. N Eng J Med 366:619-628, 2012) The variant is found in DCM-CRDM panel(s).

NM_001267550.2(TTN):c.60253A>T (p.Ile20085Phe)

Genes: TTN (titin; minus strand), TTN-AS1 (TTN antisense RNA 1; plus strand). Cytogenetic location: 2q31.2.
Variant type: single nucleotide variant.
Coding change: c.60253A>T on transcript NM_001267550.2 (MANE Select); coding-DNA position 60253, A replaced by T.
Protein change: p.Ile20085Phe; replaces isoleucine 20085 with phenylalanine.
Molecular consequence: missense variant.
Genome position (GRCh38, 1-based): chr2:178,591,472, T>A on the plus strand (A>T on the coding strand, the complement: TTN is on the minus strand). VCF-style: chr2-178591472-T-A. GRCh37 (hg19) VCF-style: chr2-179456199-T-A.
Other names: p.I18444F:ATT>TTT; c.55330A>T, p.Ile18444Phe (NM_001256850.1); c.33058A>T, p.Ile11020Phe (NM_003319.4); c.52549A>T, p.Ile17517Phe (NM_133378.4); c.33433A>T, p.Ile11145Phe (NM_133432.3); c.33634A>T, p.Ile11212Phe (NM_133437.4); short protein forms I18444F, I20085F, I11145F, I11020F, I11212F, I17517F.
Identifiers: ClinVar variation 202750 (VCV000202750.2), dbSNP rs794729466, ClinGen allele CA310170.
Genomic context (GRCh38, chr2:178,591,472, plus strand): 5'-CACCTCTTATAATAGCAGGGAATCTGACTGTGGTTCCAGCCTTTACCACAAGACCTTCAA[T>A]TAATTTCACATCTAGCTCCACGGATGGAGGCACTGAAAAGTAAACATGAAAAAATTAGAT-3'
Protein context (NP_001254479.2, residues 20075-20095): PPSVELDVKL[Ile20085Phe]EGLVVKAGTT